The following continues an entry in ClinVar:

NM_000478.6(ALPL):c.863-12C>G

Gene: ALPL. ClinVar aggregate classification (germline): Benign. Benign (11).

Submissions 31 to 55 of 55:

Dr. Peter K. Rogan Lab, Western University
No classification provided (evidence only). Condition: Nonpapillary renal cell carcinoma. Review status: no classification provided. Collection method: in vitro. Allele origin: not applicable. Functional consequence: skipped exon. Not counted in ClinVar's aggregate classification.

Dr. Peter K. Rogan Lab, Western University
No classification provided (evidence only). Condition: Nonpapillary renal cell carcinoma. Review status: no classification provided. Collection method: in vitro. Allele origin: not applicable. Functional consequence: skipped exon, retained intron. Not counted in ClinVar's aggregate classification.

Dr. Peter K. Rogan Lab, Western University
No classification provided (evidence only). Condition: Nonpapillary renal cell carcinoma. Review status: no classification provided. Collection method: in vitro. Allele origin: not applicable. Functional consequence: skipped exon, retained intron. Not counted in ClinVar's aggregate classification.

Dr. Peter K. Rogan Lab, Western University
No classification provided (evidence only). Condition: Nonpapillary renal cell carcinoma. Review status: no classification provided. Collection method: in vitro. Allele origin: not applicable. Functional consequence: retained intron. Not counted in ClinVar's aggregate classification.

Dr. Peter K. Rogan Lab, Western University
No classification provided (evidence only). Condition: Nonpapillary renal cell carcinoma. Review status: no classification provided. Collection method: in vitro. Allele origin: not applicable. Functional consequence: retained intron. Not counted in ClinVar's aggregate classification.

Dr. Peter K. Rogan Lab, Western University
No classification provided (evidence only). Condition: Lymphoma. Review status: no classification provided. Collection method: in vitro. Allele origin: not applicable. Functional consequence: retained intron. Not counted in ClinVar's aggregate classification.

Dr. Peter K. Rogan Lab, Western University
No classification provided (evidence only). Condition: Lymphoma. Review status: no classification provided. Collection method: in vitro. Allele origin: not applicable. Functional consequence: skipped exon, retained intron. Not counted in ClinVar's aggregate classification.

Dr. Peter K. Rogan Lab, Western University
No classification provided (evidence only). Condition: Lymphoma. Review status: no classification provided. Collection method: in vitro. Allele origin: not applicable. Functional consequence: retained intron. Not counted in ClinVar's aggregate classification.

Dr. Peter K. Rogan Lab, Western University
No classification provided (evidence only). Condition: Lymphoma. Review status: no classification provided. Collection method: in vitro. Allele origin: not applicable. Functional consequence: skipped exon. Not counted in ClinVar's aggregate classification.

Dr. Peter K. Rogan Lab, Western University
No classification provided (evidence only). Condition: Lymphoma. Review status: no classification provided. Collection method: in vitro. Allele origin: not applicable. Functional consequence: skipped exon. Not counted in ClinVar's aggregate classification.

Dr. Peter K. Rogan Lab, Western University
No classification provided (evidence only). Condition: Lymphoma. Review status: no classification provided. Collection method: in vitro. Allele origin: not applicable. Functional consequence: retained intron. Not counted in ClinVar's aggregate classification.

Dr. Peter K. Rogan Lab, Western University
No classification provided (evidence only). Condition: Lymphoma. Review status: no classification provided. Collection method: in vitro. Allele origin: not applicable. Functional consequence: skipped exon. Not counted in ClinVar's aggregate classification.

Dr. Peter K. Rogan Lab, Western University
No classification provided (evidence only). Condition: Lymphoma. Review status: no classification provided. Collection method: in vitro. Allele origin: not applicable. Functional consequence: retained intron. Not counted in ClinVar's aggregate classification.

Dr. Peter K. Rogan Lab, Western University
No classification provided (evidence only). Condition: Ovarian cancer. Review status: no classification provided. Collection method: in vitro. Allele origin: not applicable. Functional consequence: skipped exon, retained intron. Not counted in ClinVar's aggregate classification.

Dr. Peter K. Rogan Lab, Western University
No classification provided (evidence only). Condition: Ovarian cancer. Review status: no classification provided. Collection method: in vitro. Allele origin: not applicable. Functional consequence: skipped exon, retained intron. Not counted in ClinVar's aggregate classification.

Dr. Peter K. Rogan Lab, Western University
No classification provided (evidence only). Condition: Ovarian cancer. Review status: no classification provided. Collection method: in vitro. Allele origin: not applicable. Functional consequence: retained intron. Not counted in ClinVar's aggregate classification.

Dr. Peter K. Rogan Lab, Western University
No classification provided (evidence only). Condition: Ovarian cancer. Review status: no classification provided. Collection method: in vitro. Allele origin: not applicable. Functional consequence: skipped exon, retained intron. Not counted in ClinVar's aggregate classification.

Dr. Peter K. Rogan Lab, Western University
No classification provided (evidence only). Condition: Ovarian cancer. Review status: no classification provided. Collection method: in vitro. Allele origin: not applicable. Functional consequence: skipped exon, retained intron. Not counted in ClinVar's aggregate classification.

Dr. Peter K. Rogan Lab, Western University
No classification provided (evidence only). Condition: Ovarian cancer. Review status: no classification provided. Collection method: in vitro. Allele origin: not applicable. Functional consequence: retained intron. Not counted in ClinVar's aggregate classification.

Dr. Peter K. Rogan Lab, Western University
No classification provided (evidence only). Condition: Ovarian cancer. Review status: no classification provided. Collection method: in vitro. Allele origin: not applicable. Functional consequence: retained intron. Not counted in ClinVar's aggregate classification.

Dr. Peter K. Rogan Lab, Western University
No classification provided (evidence only). Condition: Ovarian cancer. Review status: no classification provided. Collection method: in vitro. Allele origin: not applicable. Functional consequence: retained intron. Not counted in ClinVar's aggregate classification.

Dr. Peter K. Rogan Lab, Western University
No classification provided (evidence only). Condition: Ovarian cancer. Review status: no classification provided. Collection method: in vitro. Allele origin: not applicable. Functional consequence: skipped exon, retained intron. Not counted in ClinVar's aggregate classification.

Dr. Peter K. Rogan Lab, Western University
No classification provided (evidence only). Condition: Ovarian cancer. Review status: no classification provided. Collection method: in vitro. Allele origin: not applicable. Functional consequence: retained intron. Not counted in ClinVar's aggregate classification.

Dr. Peter K. Rogan Lab, Western University
No classification provided (evidence only). Condition: Ovarian cancer. Review status: no classification provided. Collection method: in vitro. Allele origin: not applicable. Functional consequence: retained intron. Not counted in ClinVar's aggregate classification.

Genome Diagnostics Laboratory, Amsterdam University Medical Center
Classification: Benign. Review status: no assertion criteria provided. Collection method: clinical testing. Allele origin: germline. Affected: yes. Study: VKGL Data-share Consensus. Not counted in ClinVar's aggregate classification.